The following is an entry in ClinVar:

NM_022168.4(IFIH1):c.1583T>C (p.Leu528Pro)

Gene: IFIH1 (interferon induced with helicase C domain 1; minus strand). Cytogenetic location: 2q24.2.
Variant type: single nucleotide variant.
Coding change: c.1583T>C on transcript NM_022168.4 (MANE Select); coding-DNA position 1583, T replaced by C.
Protein change: p.Leu528Pro; replaces leucine 528 with proline.
Molecular consequence: missense variant.
Genome position (GRCh38, 1-based): chr2:162,280,054, A>G on the plus strand (T>C on the coding strand, the complement: IFIH1 is on the minus strand). VCF-style: chr2-162280054-A-G. GRCh37 (hg19) VCF-style: chr2-163136564-A-G.
Other names: short protein forms L528P.
Identifiers: ClinVar variation 2102909 (VCV002102909.4), dbSNP rs142348767, ClinGen allele CA1934481.

ClinVar aggregate classification (germline): Uncertain significance (1 of 4 stars; one submission).

Conditions:
Singleton-Merten syndrome 1 (SGMRT1). Also called: Widened medullary cavities of bone, aortic calcification, abnormal dentition, and muscular weakness; Syndrome of widened medullary cavities of the metacarpals and phalanges, aortic calcification and abnormal dentition. Identifiers: Orphanet 85191, MedGen C4225427, MONDO:0024535, OMIM 182250.
Aicardi-Goutieres syndrome 7 (AGS7). Identifiers: Orphanet 51, MedGen C3888244, MONDO:0014367, OMIM 615846.

gnomAD v4.1: 1 of 1,611,430 alleles (0.000062%); highest among the groups gnomAD compares: East Asian, 0.0022%; no homozygotes.

Submission:

Labcorp Genetics (formerly Invitae), Labcorp
Classification: Uncertain significance for Aicardi-Goutieres syndrome 7; Singleton-Merten syndrome 1. Last evaluated: 2022-02-24. Review status: criteria provided, single submitter. Criteria: Invitae Variant Classification Sherloc (09022015). Collection method: clinical testing. Allele origin: germline.
Comment: In summary, the available evidence is currently insufficient to determine the role of this variant in disease. Therefore, it has been classified as a Variant of Uncertain Significance. This sequence change replaces leucine, which is neutral and non-polar, with proline, which is neutral and non-polar, at codon 528 of the IFIH1 protein (p.Leu528Pro). This variant is present in population databases (rs142348767, gnomAD 0.01%). This variant has not been reported in the literature in individuals affected with IFIH1-related conditions. Algorithms developed to predict the effect of missense changes on protein structure and function are either unavailable or do not agree on the potential impact of this missense change (SIFT: "Deleterious"; PolyPhen-2: "Benign"; Align-GVGD: "Class C25").